The following is an entry in ClinVar:

NC_000002.11:g.(?_31805670)_(31805969_?)del

Gene: SRD5A2 (steroid 5 alpha-reductase 2; minus strand). Cytogenetic location: 2p23.1.
Variant type: Deletion.
Identifiers: ClinVar variation 3247146 (VCV003247146.1).

ClinVar aggregate classification (germline): Pathogenic (1 of 4 stars; one submission).

Conditions:
3-Oxo-5 alpha-steroid delta 4-dehydrogenase deficiency (PPSH). Also called: PSEUDOVAGINAL PERINEOSCROTAL HYPOSPADIAS; FAMILIAL INCOMPLETE MALE PSEUDOHERMAPHRODITISM, TYPE 2; 46,XY disorder of sex development due to 5-alpha-reductase 2 deficiency; MALE PSEUDOHERMAPHRODITISM DUE TO 5-ALPHA-REDUCTASE DEFICIENCY. Identifiers: Orphanet 753, MedGen C0268297, MONDO:0009923, OMIM 264600. Disease mechanism: loss of function.

Submission:

Labcorp Genetics (formerly Invitae), Labcorp
Classification: Pathogenic for 3-Oxo-5 alpha-steroid delta 4-dehydrogenase deficiency. Last evaluated: 2023-10-16. Review status: criteria provided, single submitter. Criteria: Invitae Variant Classification Sherloc (09022015). Collection method: clinical testing. Allele origin: unknown.
Comment: This variant is a gross deletion of the genomic region encompassing exon(s) 1 of the SRD5A2 gene, which includes the initiator codon. This deletion extends beyond the assayed region for this gene and therefore may encompass additional genes. It is expected to result in an absent or disrupted protein product. Loss-of-function variants in SRD5A2 are known to be pathogenic (PMID: 1406794, 1944596). A similar copy number variant has been observed in individual(s) with clinical features of steroid-5 alpha-reductase deficiency (PMID: 23633205, 28110336). For these reasons, this variant has been classified as Pathogenic.

Literature cited by the submitters: PubMed 1406794; PubMed 1944596; PubMed 23633205; PubMed 28110336.